The following is an entry in ClinVar:

ClinVar aggregate classification (germline): Uncertain significance. Review status: criteria provided, multiple submitters, no conflicts (2 of 4 stars). 4 submissions from 4 submitters: Uncertain significance (4). Last evaluated 2024-02-22.

Conditions:
Familial adenomatous polyposis 1 (FAP1). Also called: FAMILIAL ADENOMATOUS POLYPOSIS 1, ATTENUATED; POLYPOSIS, ADENOMATOUS INTESTINAL. Identifiers: MedGen C2713442, MONDO:0021056, OMIM 175100. Disease mechanism: loss of function.
Hereditary cancer-predisposing syndrome. Also called: Neoplastic Syndromes, Hereditary; Tumor predisposition; Hereditary Cancer Syndrome; Hereditary neoplastic syndrome. Identifiers: Orphanet 140162, MedGen C0027672, MeSH D009386, MONDO:0015356.
Classic or attenuated familial adenomatous polyposis. Identifiers: MedGen CN372698, MONDO:0021057.

Allele frequency attached by ClinVar (database versions not stated): gnomAD exomes below 0.00001.
gnomAD v4.1: 3 of 1,614,058 alleles (0.00019%); highest among the groups gnomAD compares: Admixed American, 0.005%; no homozygotes.

Submissions (4):

All of Us Research Program, National Institutes of Health
Classification: Uncertain significance for Classic or attenuated familial adenomatous polyposis. Last evaluated: 2024-02-22. Review status: criteria provided, single submitter. Criteria: ACMG Guidelines, 2015. Collection method: clinical testing. Allele origin: germline. Inheritance: Autosomal dominant inheritance. Observed: 1 variant allele, 1 heterozygote.
Comment: This missense variant replaces alanine with threonine at codon 1700 of the APC protein. Computational prediction suggests that this variant may not impact protein structure and function (internally defined REVEL score threshold <= 0.5, PMID: 27666373). To our knowledge, functional studies have not been reported for this variant. This variant has not been reported in individuals affected with APC-related disorders in the literature. This variant has been identified in 1/249478 chromosomes in the general population by the Genome Aggregation Database (gnomAD). The available evidence is insufficient to determine the role of this variant in disease conclusively. Therefore, this variant is classified as a Variant of Uncertain Significance.

This study involves interpretation of variants in research participants for the purpose of population health screening. Participant phenotype was not available at the time of variant classification. Additional details can be found in publication PMID: 35346344, PMCID: PMC8962531

Quest Diagnostics Nichols Institute San Juan Capistrano
Classification: Uncertain significance. Last evaluated: 2023-12-06. Review status: criteria provided, single submitter. Criteria: Quest Diagnostics criteria. Collection method: clinical testing. Allele origin: unknown.
Comment: The APC c.5098G>A (p.Ala1700Thr) variant has not been reported in individuals with APC-related conditions in the published literature. The frequency of this variant in the general population, 0.000004 (1/249478 chromosomes (Genome Aggregation Database)), is uninformative in the assessment of its pathogenicity. Analysis of this variant using bioinformatics tools for the prediction of the effect of amino acid changes on protein structure and function yielded predictions that this variant is benign. Based on the available information, we are unable to determine the clinical significance of this variant.

Ambry Genetics
Classification: Uncertain significance for Hereditary cancer-predisposing syndrome. Last evaluated: 2023-04-26. Review status: criteria provided, single submitter. Criteria: Ambry Variant Classification Scheme 2023. Collection method: clinical testing. Allele origin: germline.
Comment: The p.A1700T variant (also known as c.5098G>A), located in coding exon 15 of the APC gene, results from a G to A substitution at nucleotide position 5098. The alanine at codon 1700 is replaced by threonine, an amino acid with similar properties. This amino acid position is not well conserved in available vertebrate species. In addition, in silico predictors for this gene do not accurately predict pathogenicity. Since supporting evidence is limited at this time, the clinical significance of this alteration remains unclear.

Labcorp Genetics (formerly Invitae), Labcorp
Classification: Uncertain significance for Familial adenomatous polyposis 1. Last evaluated: 2021-11-18. Review status: criteria provided, single submitter. Criteria: Invitae Variant Classification Sherloc (09022015). Collection method: clinical testing. Allele origin: germline.
Comment: ClinVar contains an entry for this variant (Variation ID: 485156). This sequence change replaces alanine, which is neutral and non-polar, with threonine, which is neutral and polar, at codon 1700 of the APC protein (p.Ala1700Thr). This variant is present in population databases (no rsID available, gnomAD 0.003%). This variant has not been reported in the literature in individuals affected with APC-related conditions. Algorithms developed to predict the effect of missense changes on protein structure and function output the following: SIFT: "Tolerated"; PolyPhen-2: "Benign"; Align-GVGD: "Class C0". The threonine amino acid residue is found in multiple mammalian species, which suggests that this missense change does not adversely affect protein function. In summary, the available evidence is currently insufficient to determine the role of this variant in disease. Therefore, it has been classified as a Variant of Uncertain Significance.

NM_000038.6(APC):c.5098G>A (p.Ala1700Thr)

Gene: APC (APC regulator of Wnt signaling pathway; plus strand). Cytogenetic location: 5q22.2.
Variant type: single nucleotide variant.
Coding change: c.5098G>A on transcript NM_000038.6 (MANE Select); coding-DNA position 5098, G replaced by A.
Protein change: p.Ala1700Thr; replaces alanine 1700 with threonine.
Molecular consequence: missense variant.
Genome position (GRCh38, 1-based): chr5:112,840,692, G>A. VCF-style: chr5-112840692-G-A. GRCh37 (hg19) VCF-style: chr5-112176389-G-A.
Other names: c.5098G>A, p.Ala1700Thr (NM_001127510.3, NM_001354895.2); c.5044G>A, p.Ala1682Thr (NM_001127511.3); c.5152G>A, p.Ala1718Thr (NM_001354896.2); c.5128G>A, p.Ala1710Thr (NM_001354897.2); c.5023G>A, p.Ala1675Thr (NM_001354898.2); c.5014G>A, p.Ala1672Thr (NM_001354899.2); c.4975G>A, p.Ala1659Thr (NM_001354900.2); c.4921G>A, p.Ala1641Thr (NM_001354901.2); and 5 more; short protein forms A1700T, A1682T, A1599T, A1609T, A1540T, A1574T, A1641T, A1659T.
Identifiers: ClinVar variation 485156 (VCV000485156.13), dbSNP rs1311394468, ClinGen allele CA16032477.